The following is an entry in ClinVar:

NM_014000.3(VCL):c.1756C>T (p.Arg586Trp)

Gene: VCL (vinculin; plus strand). Cytogenetic location: 10q22.2.
Variant type: single nucleotide variant.
Coding change: c.1756C>T on transcript NM_014000.3 (MANE Select); coding-DNA position 1756, C replaced by T.
Protein change: p.Arg586Trp; replaces arginine 586 with tryptophan.
Molecular consequence: missense variant.
Genome position (GRCh38, 1-based): chr10:74,097,216, C>T. VCF-style: chr10-74097216-C-T. GRCh37 (hg19) VCF-style: chr10-75856974-C-T.
Other names: c.1756C>T, p.Arg586Trp (NM_003373.4); short protein forms R586W.
Identifiers: ClinVar variation 1421261 (VCV001421261.8), dbSNP rs770778046, ClinGen allele CA5563080.

ClinVar aggregate classification (germline): Conflicting classifications of pathogenicity. Review status: criteria provided, conflicting classifications (1 of 4 stars). 4 submissions from 4 submitters: Uncertain significance (2); Likely benign (2). Last evaluated 2025-10-19.

Conditions:
Cardiovascular phenotype. Identifiers: MedGen CN230736.
Dilated cardiomyopathy 1W (CMD1W). Identifiers: Orphanet 154, MedGen C1969639, MONDO:0012667, OMIM 611407.

Allele frequency attached by ClinVar (database versions not stated): gnomAD 0.00002; gnomAD exomes 0.00002 and 0.00004; TOPMed 0.00003; ExAC 0.00007.
gnomAD v4.1: 32 of 1,613,770 alleles (0.002%); highest among the groups gnomAD compares: African/African-American, 0.0027%; no homozygotes.

Submissions (4):

Labcorp Genetics (formerly Invitae), Labcorp
Classification: Uncertain significance for Dilated cardiomyopathy 1W. Last evaluated: 2025-10-19. Review status: criteria provided, single submitter. Criteria: Invitae Variant Classification Sherloc (09022015). Collection method: clinical testing. Allele origin: germline.
Comment: This sequence change replaces arginine, which is basic and polar, with tryptophan, which is neutral and slightly polar, at codon 586 of the VCL protein (p.Arg586Trp). This variant is present in population databases (rs770778046, gnomAD 0.007%). This variant has not been reported in the literature in individuals affected with VCL-related conditions. ClinVar contains an entry for this variant (Variation ID: 1421261). An algorithm developed to predict the effect of missense changes on protein structure and function (PolyPhen-2) suggests that this variant is likely to be disruptive. In summary, the available evidence is currently insufficient to determine the role of this variant in disease. Therefore, it has been classified as a Variant of Uncertain Significance.

Women's Health and Genetics/Laboratory Corporation of America, LabCorp
Classification: Likely benign. Last evaluated: 2025-06-23. Review status: criteria provided, single submitter. Criteria: LabCorp Variant Classification Summary - May 2015. Collection method: clinical testing. Allele origin: germline.
Comment: Variant summary: VCL c.1756C>T (p.Arg586Trp) results in a non-conservative amino acid change in the encoded protein sequence. Algorithms developed to predict the effect of missense changes on protein structure and function are either unavailable or do not agree on the potential impact of this missense change. The variant allele was found at a frequency of 4.4e-05 in 251414 control chromosomes. The observed variant frequency is approximately 1.75 fold of the estimated maximal expected allele frequency for a pathogenic variant in VCL causing Cardiomyopathy phenotype (2.5e-05). To our knowledge, no occurrence of c.1756C>T in individuals affected with Cardiomyopathy and no experimental evidence demonstrating its impact on protein function have been reported. ClinVar contains an entry for this variant (Variation ID: 1421261). Based on the evidence outlined above, the variant was classified as likely benign.

Ambry Genetics
Classification: Likely benign for Cardiovascular phenotype. Last evaluated: 2024-01-29. Review status: criteria provided, single submitter. Criteria: Ambry Variant Classification Scheme 2023. Collection method: clinical testing. Allele origin: germline.

GeneDx
Classification: Uncertain significance. Last evaluated: 2022-01-11. Review status: criteria provided, single submitter. Criteria: GeneDx Variant Classification Process June 2021. Collection method: clinical testing. Allele origin: germline. Affected: yes.
Comment: Has not been previously published as pathogenic or benign to our knowledge; In silico analysis supports that this missense variant has a deleterious effect on protein structure/function; This variant is associated with the following publications: (PMID: 26191084)